The following is an entry in ClinVar:

ClinVar aggregate classification (germline): Conflicting classifications of pathogenicity. Review status: criteria provided, conflicting classifications (1 of 4 stars). 5 submissions from 5 submitters: Likely pathogenic (2); Uncertain significance (3). Last evaluated 2026-03-10.

Conditions:
Usher syndrome type 1 (USH1). Also called: RETINITIS PIGMENTOSA AND CONGENITAL DEAFNESS. Identifiers: Orphanet 231169, Orphanet 886, MedGen C1568247, MONDO:0010168, OMIM 276900.

Allele frequency attached by ClinVar (database versions not stated): TOPMed 0.00002.

Submissions (5):

Myriad Genetics, Inc.
Classification: Uncertain significance for Usher syndrome type 1. Last evaluated: 2026-03-10. Review status: criteria provided, single submitter. Criteria: Myriad Autosomal Dominant, Autosomal Recessive and X-Linked Classification Criteria (2023). Collection method: clinical testing. Allele origin: unknown.
Comment: NM_000260.3(MYO7A):c.3602G>A(C1201Y) is a missense variant classified as a variant of uncertain significance in the context of MYO7A-related disorders. C1201Y has been observed in a case with relevant disease (PMID: 34440443). Relevant functional assessments of this variant are not available in the literature. C1201Y has been observed in referenced population frequency databases. In summary, there is insufficient evidence to classify NM_000260.3(MYO7A):c.3602G>A(C1201Y) as pathogenic or benign. Please note: this variant was assessed in the context of healthy population screening.

CeGaT Center for Human Genetics Tuebingen
Classification: Uncertain significance. Last evaluated: 2025-03-01. Review status: criteria provided, single submitter. Criteria: CeGaT Center For Human Genetics Tuebingen Variant Classification Criteria Version 2. Collection method: clinical testing. Allele origin: germline. Affected: yes. Observed: 2 variant alleles.
Comment: MYO7A: PM2, PM3:Supporting, PP3

Institute of Human Genetics, University of Goettingen
Classification: Likely pathogenic for Usher syndrome type 1. Last evaluated: 2024-05-30. Review status: criteria provided, single submitter. Criteria: ACMG Guidelines, 2015. Collection method: clinical testing. Allele origin: maternal. Inheritance: Autosomal recessive inheritance. Affected: yes. Observed: 1 compound heterozygote.
Comment: PM1, PM2_sup, PP3, PM3_sup

Labcorp Genetics (formerly Invitae), Labcorp
Classification: Likely pathogenic. Last evaluated: 2023-10-17. Review status: criteria provided, single submitter. Criteria: Invitae Variant Classification Sherloc (09022015). Collection method: clinical testing. Allele origin: germline.
Comment: This sequence change replaces cysteine, which is neutral and slightly polar, with tyrosine, which is neutral and polar, at codon 1201 of the MYO7A protein (p.Cys1201Tyr). This variant is present in population databases (no rsID available, gnomAD 0.0009%). This missense change has been observed in individual(s) with Usher syndrome (PMID: 34440443). ClinVar contains an entry for this variant (Variation ID: 374511). Advanced modeling of protein sequence and biophysical properties (such as structural, functional, and spatial information, amino acid conservation, physicochemical variation, residue mobility, and thermodynamic stability) performed at Invitae indicates that this missense variant is expected to disrupt MYO7A protein function. In summary, the currently available evidence indicates that the variant is pathogenic, but additional data are needed to prove that conclusively. Therefore, this variant has been classified as Likely Pathogenic.

Blueprint Genetics
Classification: Uncertain significance. Last evaluated: 2019-08-30. Review status: criteria provided, single submitter. Criteria: ACMG Guidelines, 2015. Collection method: clinical testing. Allele origin: germline.

Literature cited by the submitters: PubMed 34440443 (cited by Myriad Genetics, Inc. and Labcorp Genetics (formerly Invitae), Labcorp).

NM_000260.4(MYO7A):c.3602G>A (p.Cys1201Tyr)

Gene: MYO7A (myosin VIIA; plus strand). Cytogenetic location: 11q13.5.
Variant type: single nucleotide variant.
Coding change: c.3602G>A on transcript NM_000260.4 (MANE Select); coding-DNA position 3602, G replaced by A.
Protein change: p.Cys1201Tyr; replaces cysteine 1201 with tyrosine.
Molecular consequence: missense variant.
Genome position (GRCh38, 1-based): chr11:77,189,442, G>A. VCF-style: chr11-77189442-G-A. GRCh37 (hg19) VCF-style: chr11-76900487-G-A.
Other names: c.3602G>A, p.Cys1201Tyr (NM_001127180.2); c.3569G>A, p.Cys1190Tyr (NM_001369365.1); c.3602G>A (NM_000260.3); short protein forms C1201Y, C1190Y.
Identifiers: ClinVar variation 374511 (VCV000374511.49), dbSNP rs117966637, ClinGen allele CA16043772.